The following is an entry in ClinVar:

NM_133642.5(LARGE1):c.237C>T (p.Leu79=)

Gene: LARGE1 (LARGE xylosyl- and glucuronyltransferase 1; minus strand). Cytogenetic location: 22q12.3.
Variant type: single nucleotide variant.
Coding change: c.237C>T on transcript NM_133642.5 (MANE Select); coding-DNA position 237, C replaced by T.
Protein change: p.Leu79=; no amino-acid change (leucine 79 retained).
Molecular consequence: synonymous variant.
Genome position (GRCh38, 1-based): chr22:33,650,538, G>A on the plus strand (C>T on the coding strand, the complement: LARGE1 is on the minus strand). VCF-style: chr22-33650538-G-A. GRCh37 (hg19) VCF-style: chr22-34046524-G-A.
Other names: p.Leu79=; c.237C>T, p.Leu79= (NM_001362949.2, NM_001362951.2, NM_001362953.2 and 7 more transcripts); c.237C>T (NM_004737.6).
Identifiers: ClinVar variation 2713894 (VCV002713894.5), dbSNP rs1442851403, ClinGen allele CA514478309.
Genomic context (GRCh38, chr22:33,650,538, plus strand): 5'-GGAGTGGTTGCCTCGGCGATGGGATGGGGCTCGGCCCTGGGCCAGGCTGAGCTGCCTGCG[G>A]AGGGCGCGGTTCTCCTCCTCCACCTCGCGCATGCGCACCTCCAGGCTCTCGCGCTCCCGC-3'
Protein context (NP_598397.1, residues 69-89): MREVEEENRA[Leu79=]RRQLSLAQGR

ClinVar aggregate classification (germline): Likely benign. Review status: criteria provided, multiple submitters, no conflicts (2 of 4 stars). 3 submissions from 3 submitters: Likely benign (3). Last evaluated 2025-03-05.

Conditions:
Muscular dystrophy-dystroglycanopathy type B6 (MDDGB6). Also called: MUSCULAR DYSTROPHY-DYSTROGLYCANOPATHY (CONGENITAL WITH IMPAIRED INTELLECTUAL DEVELOPMENT), TYPE B, 6; MUSCULAR DYSTROPHY, CONGENITAL, LARGE-RELATED; MUSCULAR DYSTROPHY, CONGENITAL, TYPE 1D. Identifiers: MedGen C1837229, MONDO:0012138, OMIM 608840.

Allele frequency attached by ClinVar (database versions not stated): gnomAD 0.00001; gnomAD exomes 0.00003.
gnomAD v4.1: 21 of 1,610,662 alleles (0.0013%); highest among the groups gnomAD compares: Non-Finnish European, 0.00017%; no homozygotes.

Submissions (3):

Mayo Clinic Laboratories, Mayo Clinic
Classification: Likely benign. Last evaluated: 2025-03-05. Review status: criteria provided, single submitter. Criteria: ACMG Guidelines, 2015. Collection method: clinical testing. Allele origin: germline. Observed: 1 variant allele.
Comment: BP4, BP7

Blueprint Genetics
Classification: Likely benign. Last evaluated: 2024-11-06. Review status: criteria provided, single submitter. Criteria: ACMG Guidelines, 2015. Collection method: clinical testing. Allele origin: germline.

Labcorp Genetics (formerly Invitae), Labcorp
Classification: Likely benign for Muscular dystrophy-dystroglycanopathy type B6. Last evaluated: 2023-03-16. Review status: criteria provided, single submitter. Criteria: Invitae Variant Classification Sherloc (09022015). Collection method: clinical testing. Allele origin: germline.